The following is an entry in ClinVar:

NM_000153.4(GALC):c.1592G>C (p.Arg531Pro)

Gene: GALC (galactosylceramidase; minus strand). Cytogenetic location: 14q31.3.
Variant type: single nucleotide variant.
Coding change: c.1592G>C on transcript NM_000153.4 (MANE Select); coding-DNA position 1592, G replaced by C.
Protein change: p.Arg531Pro; replaces arginine 531 with proline.
Molecular consequence: missense variant.
Genome position (GRCh38, 1-based): chr14:87,945,631, C>G on the plus strand (G>C on the coding strand, the complement: GALC is on the minus strand). VCF-style: chr14-87945631-C-G. GRCh37 (hg19) VCF-style: chr14-88411975-C-G.
Other names: c.1523G>C, p.Arg508Pro (NM_001201401.2); c.1514G>C, p.Arg505Pro (NM_001201402.2); short protein forms R531P, R505P, R508P.
Identifiers: ClinVar variation 623356 (VCV000623356.6), dbSNP rs200378205, ClinGen allele CA390746116.

ClinVar aggregate classification (germline): Conflicting classifications of pathogenicity. Review status: criteria provided, conflicting classifications (1 of 4 stars). 3 submissions from 3 submitters: Likely pathogenic (2); Uncertain significance (1). Last evaluated 2025-07-03.

Conditions:
Galactosylceramide beta-galactosidase deficiency. Also called: GALACTOCEREBROSIDASE DEFICIENCY; GALC DEFICIENCY; GLOBOID CELL LEUKOENCEPHALOPATHY; Krabbe Disease; Leukodystrophy, Globoid Cell. Identifiers: Orphanet 487, MedGen C0023521, MONDO:0009499, OMIM 245200.

Submissions (3):

Women's Health and Genetics/Laboratory Corporation of America, LabCorp
Classification: Uncertain significance. Last evaluated: 2025-07-03. Review status: criteria provided, single submitter. Criteria: LabCorp Variant Classification Summary - May 2015. Collection method: clinical testing. Allele origin: germline.
Comment: Variant summary: GALC c.1592G>C (p.Arg531Pro) results in a non-conservative amino acid change in the encoded protein sequence. Algorithms developed to predict the effect of missense changes on protein structure and function all suggest that this variant is likely to be disruptive. The variant was absent in 248936 control chromosomes. The available data on variant occurrences in the general population are insufficient to allow any conclusion about variant significance. To our knowledge, no occurrence of c.1592G>C in individuals affected with Krabbe Disease and no experimental evidence demonstrating its impact on protein function have been reported. A different variant affecting the same codon has been classified as pathogenic by our lab (c.1592G>A, p.Arg531His), supporting the critical relevance of codon 531 to GALC protein function. ClinVar contains an entry for this variant (Variation ID: 623356). Based on the evidence outlined above, the variant was classified as uncertain significance.

Labcorp Genetics (formerly Invitae), Labcorp
Classification: Likely pathogenic for Galactosylceramide beta-galactosidase deficiency. Last evaluated: 2025-03-18. Review status: criteria provided, single submitter. Criteria: Invitae Variant Classification Sherloc (09022015). Collection method: clinical testing. Allele origin: germline.
Comment: This sequence change replaces arginine, which is basic and polar, with proline, which is neutral and non-polar, at codon 531 of the GALC protein (p.Arg531Pro). This variant is not present in population databases (gnomAD no frequency). This variant has not been reported in the literature in individuals affected with GALC-related conditions. ClinVar contains an entry for this variant (Variation ID: 623356). Invitae Evidence Modeling of protein sequence and biophysical properties (such as structural, functional, and spatial information, amino acid conservation, physicochemical variation, residue mobility, and thermodynamic stability) indicates that this missense variant is expected to disrupt GALC protein function with a positive predictive value of 95%. This variant disrupts the p.Arg531 amino acid residue in GALC. Other variant(s) that disrupt this residue have been determined to be pathogenic (PMID: 10234611, 16607461, 26795590, 27126738, 28976722). This suggests that this residue is clinically significant, and that variants that disrupt this residue are likely to be disease-causing. In summary, the currently available evidence indicates that the variant is pathogenic, but additional data are needed to prove that conclusively. Therefore, this variant has been classified as Likely Pathogenic.

Department of Genetics, Sultan Qaboos University Hospital
Classification: Likely pathogenic for Galactosylceramide beta-galactosidase deficiency. Last evaluated: 2024-06-12. Review status: criteria provided, single submitter. Criteria: ACMG Guidelines, 2015. Collection method: curation. Allele origin: unknown. Affected: yes.

Literature cited by the submitters: PubMed 10234611 (cited by Labcorp Genetics (formerly Invitae), Labcorp); PubMed 16607461 (cited by Labcorp Genetics (formerly Invitae), Labcorp); PubMed 26795590 (cited by Labcorp Genetics (formerly Invitae), Labcorp); PubMed 27126738 (cited by Labcorp Genetics (formerly Invitae), Labcorp); PubMed 28976722 (cited by Labcorp Genetics (formerly Invitae), Labcorp).